The following is an entry in ClinVar:

NM_178822.5(IGSF10):c.5126C>T (p.Ser1709Phe)

Gene: IGSF10 (immunoglobulin superfamily member 10; minus strand). Cytogenetic location: 3q25.1.
Variant type: single nucleotide variant.
Coding change: c.5126C>T on transcript NM_178822.5 (MANE Select); coding-DNA position 5126, C replaced by T.
Protein change: p.Ser1709Phe; replaces serine 1709 with phenylalanine.
Molecular consequence: missense variant.
Genome position (GRCh38, 1-based): chr3:151,443,821, G>A on the plus strand (C>T on the coding strand, the complement: IGSF10 is on the minus strand). VCF-style: chr3-151443821-G-A. GRCh37 (hg19) VCF-style: chr3-151161609-G-A.
Other names: c.5126C>T, p.Ser1709Phe (NM_001385060.1, NM_001385061.1, NM_001385062.1 and 1 more transcripts); short protein forms S1709F.
Identifiers: ClinVar variation 3621921 (VCV003621921.2).

ClinVar aggregate classification (germline): Uncertain significance (1 of 4 stars; one submission).

Submission:

Labcorp Genetics (formerly Invitae), Labcorp
Classification: Uncertain significance. Last evaluated: 2024-02-20. Review status: criteria provided, single submitter. Criteria: Invitae Variant Classification Sherloc (09022015). Collection method: clinical testing. Allele origin: germline.
Comment: This sequence change replaces serine, which is neutral and polar, with phenylalanine, which is neutral and non-polar, at codon 1709 of the IGSF10 protein (p.Ser1709Phe). This variant is not present in population databases (gnomAD no frequency). This variant has not been reported in the literature in individuals affected with IGSF10-related conditions. Algorithms developed to predict the effect of missense changes on protein structure and function output the following: SIFT: "Not Available"; PolyPhen-2: "Benign"; Align-GVGD: "Not Available". The phenylalanine amino acid residue is found in multiple mammalian species, which suggests that this missense change does not adversely affect protein function. In summary, the available evidence is currently insufficient to determine the role of this variant in disease. Therefore, it has been classified as a Variant of Uncertain Significance.